The following is an entry in ClinVar:

ClinVar aggregate classification (germline): Uncertain significance (1 of 4 stars; one submission).

Conditions:
Muscle AMP deaminase deficiency (MMDD). Also called: Myoadenylate deaminase deficiency, myopathy due to; Adenosine monophosphate deaminase 1 deficiency; AMP deaminase 1 deficiency; Adenosine Monophosphate Deaminase 1; AMPD1 DEFICIENCY; ADENOSINE MONOPHOSPHATE DEAMINASE-1 DEFICIENCY, MYOPATHY DUE TO. Identifiers: Orphanet 45, MedGen C3714933, MONDO:0014220, OMIM 615511.

Allele frequency attached by ClinVar (database versions not stated): TOPMed below 0.00001; ExAC 0.00001; gnomAD exomes 0.00001.
gnomAD v4.1: 12 of 1,614,160 alleles (0.00074%); highest among the groups gnomAD compares: Non-Finnish European, 0.00025%; no homozygotes.

Submission:

Labcorp Genetics (formerly Invitae), Labcorp
Classification: Uncertain significance for Muscle AMP deaminase deficiency. Last evaluated: 2022-07-12. Review status: criteria provided, single submitter. Criteria: Invitae Variant Classification Sherloc (09022015). Collection method: clinical testing. Allele origin: germline.
Comment: This variant is present in population databases (rs756169459, gnomAD 0.02%). This sequence change replaces threonine, which is neutral and polar, with proline, which is neutral and non-polar, at codon 367 of the AMPD1 protein (p.Thr367Pro). This variant has not been reported in the literature in individuals affected with AMPD1-related conditions. In summary, the available evidence is currently insufficient to determine the role of this variant in disease. Therefore, it has been classified as a Variant of Uncertain Significance. Algorithms developed to predict the effect of missense changes on protein structure and function (SIFT, PolyPhen-2, Align-GVGD) all suggest that this variant is likely to be tolerated. ClinVar contains an entry for this variant (Variation ID: 1511694).

NM_000036.3(AMPD1):c.1000A>C (p.Thr334Pro)

Gene: AMPD1 (adenosine monophosphate deaminase 1; minus strand). Cytogenetic location: 1p13.2.
Variant type: single nucleotide variant.
Coding change: c.1000A>C on transcript NM_000036.3 (MANE Select); coding-DNA position 1000, A replaced by C.
Protein change: p.Thr334Pro; replaces threonine 334 with proline.
Molecular consequence: missense variant.
Genome position (GRCh38, 1-based): chr1:114,678,425, T>G on the plus strand (A>C on the coding strand, the complement: AMPD1 is on the minus strand). VCF-style: chr1-114678425-T-G. GRCh37 (hg19) VCF-style: chr1-115221046-T-G.
Other names: c.988A>C, p.Thr330Pro (NM_001172626.2); short protein forms T334P, T330P.
Identifiers: ClinVar variation 1511694 (VCV001511694.8), dbSNP rs756169459, ClinGen allele CA1020243.
Genomic context (GRCh38, chr1:114,678,425, plus strand): 5'-CATAAGGATGCATTTTTAATTTAGCAAAAAGTTCCTTTAGGGTCAGATTCTTCTCTTTGG[T>G]GCTATAGACCACTCTGTCAGCATCAATTTGGTAAGATTTCTTAATAAAACGCAGCAGATG-3'
Protein context (NP_000027.3, residues 324-344): QIDADRVVYS[Thr334Pro]KEKNLTLKEL